The following is an entry in ClinVar:

ClinVar aggregate classification (germline): Uncertain significance. Review status: criteria provided, multiple submitters, no conflicts (2 of 4 stars). 2 submissions from 2 submitters: Uncertain significance (2). Last evaluated 2025-03-04.

Conditions:
Hypercoagulability syndrome due to glycosylphosphatidylinositol deficiency (GPIBD1). Also called: GLYCOSYLPHOSPHATIDYLINOSITOL BIOSYNTHESIS DEFECT 1. Identifiers: Orphanet 83639, MedGen C5201145, MONDO:0012465, OMIM 610293.

Allele frequency attached by ClinVar (database versions not stated): gnomAD exomes 0.00001; gnomAD 0.00007 and 0.00008; TOPMed 0.00021.
gnomAD v4.1: 18 of 1,614,110 alleles (0.0011%); highest among the groups gnomAD compares: Admixed American, 0.025%; no homozygotes.

Submissions (2):

Labcorp Genetics (formerly Invitae), Labcorp
Classification: Uncertain significance for Hypercoagulability syndrome due to glycosylphosphatidylinositol deficiency. Last evaluated: 2025-03-04. Review status: criteria provided, single submitter. Criteria: Invitae Variant Classification Sherloc (09022015). Collection method: clinical testing. Allele origin: germline.
Comment: This sequence change replaces leucine, which is neutral and non-polar, with valine, which is neutral and non-polar, at codon 80 of the PIGM protein (p.Leu80Val). This variant is not present in population databases (gnomAD no frequency). This variant has not been reported in the literature in individuals affected with PIGM-related conditions. ClinVar contains an entry for this variant (Variation ID: 665365). Invitae Evidence Modeling of protein sequence and biophysical properties (such as structural, functional, and spatial information, amino acid conservation, physicochemical variation, residue mobility, and thermodynamic stability) indicates that this missense variant is not expected to disrupt PIGM protein function with a negative predictive value of 80%. In summary, the available evidence is currently insufficient to determine the role of this variant in disease. Therefore, it has been classified as a Variant of Uncertain Significance.

Ambry Genetics
Classification: Uncertain significance. Last evaluated: 2024-08-28. Review status: criteria provided, single submitter. Criteria: Ambry Variant Classification Scheme 2023. Collection method: clinical testing. Allele origin: germline.

NM_145167.3(PIGM):c.238C>G (p.Leu80Val)

Gene: PIGM (phosphatidylinositol glycan anchor biosynthesis class M; minus strand). Cytogenetic location: 1q23.2.
Variant type: single nucleotide variant.
Coding change: c.238C>G on transcript NM_145167.3 (MANE Select); coding-DNA position 238, C replaced by G.
Protein change: p.Leu80Val; replaces leucine 80 with valine.
Molecular consequence: missense variant.
Genome position (GRCh38, 1-based): chr1:160,031,502, G>C on the plus strand (C>G on the coding strand, the complement: PIGM is on the minus strand). VCF-style: chr1-160031502-G-C. GRCh37 (hg19) VCF-style: chr1-160001292-G-C.
Other names: c.238C>G (NM_145167.2); short protein forms L80V.
Identifiers: ClinVar variation 665365 (VCV000665365.10), dbSNP rs945112516, ClinGen allele CA31495875.